The following is an entry in ClinVar:

ClinVar aggregate classification (germline): Pathogenic (1 of 4 stars; one submission).

Submission:

GeneDx
Classification: Pathogenic. Last evaluated: 2017-01-12. Review status: criteria provided, single submitter. Criteria: GeneDx Variant Classification (06012015). Collection method: clinical testing. Allele origin: germline. Affected: yes.
Comment: The Q168X nonsense variant in the IKBKG gene the IKBKG gene has been previously reported in one patient with incontinentia pigmenti (Conte et al., 2014). This pathogenic variant is predicted to cause loss of normal protein function either through protein truncation or nonsense-mediated mRNA decay. Therefore, we interpret Q169X as a pathogenic variant.

NM_001099857.5(IKBKG):c.502C>T (p.Gln168Ter)

Gene: IKBKG (inhibitor of nuclear factor kappa B kinase regulatory subunit gamma; plus strand). Cytogenetic location: Xq28.
Variant type: single nucleotide variant.
Coding change: c.502C>T on transcript NM_001099857.5 (MANE Select); coding-DNA position 502, C replaced by T.
Protein change: p.Gln168Ter; replaces glutamine 168 with a stop codon.
Molecular consequence: nonsense. On other transcripts: intron variant (1).
Genome position (GRCh38, 1-based): chrX:154,558,634, C>T. VCF-style: chrX-154558634-C-T. GRCh37 (hg19) VCF-style: chrX-153786849-C-T.
Other names: c.706C>T, p.Gln236Ter (NM_001099856.6); c.502C>T, p.Gln168Ter (NM_001145255.4, NM_001321396.3, NM_001377312.1 and 1 more transcripts); c.499C>T, p.Gln167Ter (NM_001321397.3, NM_001377313.1, NM_001377314.1); c.399+2258C>T (NM_001377315.1); short protein forms Q168*, Q167*, Q236*.
Identifiers: ClinVar variation 381670 (VCV000381670.2), dbSNP rs1057521138, ClinGen allele CA16608843.